The following is an entry in ClinVar:

NM_020937.4(FANCM):c.1548C>G (p.Ser516Arg)

Gene: FANCM (FA complementation group M; plus strand). Cytogenetic location: 14q21.2.
Variant type: single nucleotide variant.
Coding change: c.1548C>G on transcript NM_020937.4 (MANE Select); coding-DNA position 1548, C replaced by G.
Protein change: p.Ser516Arg; replaces serine 516 with arginine.
Molecular consequence: missense variant.
Genome position (GRCh38, 1-based): chr14:45,159,247, C>G. VCF-style: chr14-45159247-C-G. GRCh37 (hg19) VCF-style: chr14-45628450-C-G.
Other names: c.1470C>G, p.Ser490Arg (NM_001308133.2); c.1548C>G, p.Ser516Arg (NM_001308134.2); short protein forms S490R, S516R.
Identifiers: ClinVar variation 1312560 (VCV001312560.2), dbSNP rs778176584, ClinGen allele CA389592687.
Genomic context (GRCh38, chr14:45,159,247, plus strand): 5'-TTCACAGCATCAGCCAATTATTAGAGTAATGACTTTTGTCGGCCATGCCTCAGGGAAAAG[C>G]ACGAAGGGTTTTACCCAGAAGGAGCAACTGGAGGTAATTATTTTTGGAATTGATAAAAAT-3'
Protein context (NP_065988.1, residues 506-526): MTFVGHASGK[Ser516Arg]TKGFTQKEQL

ClinVar aggregate classification (germline): Uncertain significance (1 of 4 stars; one submission).

Submission:

GeneDx
Classification: Uncertain significance. Last evaluated: 2020-03-02. Review status: criteria provided, single submitter. Criteria: GeneDx Variant Classification Process June 2021. Collection method: clinical testing. Allele origin: germline. Affected: yes.
Comment: Not observed in large population cohorts (Lek 2016); In silico analysis supports that this missense variant has a deleterious effect on protein structure/function; Has not been previously published as pathogenic or benign to our knowledge